The following is an entry in ClinVar:

NM_003482.4(KMT2D):c.1903A>G (p.Met635Val)

Gene: KMT2D (lysine methyltransferase 2D; minus strand). Cytogenetic location: 12q13.12.
Variant type: single nucleotide variant.
Coding change: c.1903A>G on transcript NM_003482.4 (MANE Select); coding-DNA position 1903, A replaced by G.
Protein change: p.Met635Val; replaces methionine 635 with valine.
Molecular consequence: missense variant.
Genome position (GRCh38, 1-based): chr12:49,051,780, T>C on the plus strand (A>G on the coding strand, the complement: KMT2D is on the minus strand). VCF-style: chr12-49051780-T-C. GRCh37 (hg19) VCF-style: chr12-49445563-T-C.
Other names: short protein forms M635V.
Identifiers: ClinVar variation 2145670 (VCV002145670.6), dbSNP rs539846052, ClinGen allele CA6548404.
Genomic context (GRCh38, chr12:49,051,780, plus strand): 5'-GGGATAGGCGCGATACCTCAGGTGGGGGGGACATAGGTGATTCTTCAGGTGGTGGGGACA[T>C]AGGCGAGTCCTCAGGTGGTGGGGACAGGCGTGATGCCTCAGGTGGTGGGGAAAGGGGAGA-3'
Protein context (NP_003473.3, residues 625-645): RLSPPPEDSP[Met635Val]SPPPEESPMS

ClinVar aggregate classification (germline): Likely benign. Review status: criteria provided, multiple submitters, no conflicts (2 of 4 stars). 3 submissions from 3 submitters: Likely benign (2). 1 of the submissions does not count toward it. Last evaluated 2026-01-29.

Conditions:
KMT2D-related disorder. Also called: KMT2D-Related Disorders.
Kabuki syndrome. Also called: NIIKAWA-KUROKI SYNDROME; Kabuki make-up syndrome. Identifiers: Orphanet 2322, MedGen C0796004, MONDO:0016512.

Allele frequency attached by ClinVar (database versions not stated): gnomAD exomes 0.00002; TOPMed 0.00002; gnomAD 0.00003; ExAC 0.00005; 1000 Genomes Project 30x 0.00016; 1000 Genomes Project 0.00020.
gnomAD v4.1: 33 of 1,582,840 alleles (0.0021%); highest among the groups gnomAD compares: South Asian, 0.027%; 2 homozygotes.

Submissions (3):

Labcorp Genetics (formerly Invitae), Labcorp
Classification: Likely benign for Kabuki syndrome. Last evaluated: 2026-01-29. Review status: criteria provided, single submitter. Criteria: Invitae Variant Classification Sherloc (09022015). Collection method: clinical testing. Allele origin: germline.

Blueprint Genetics
Classification: Likely benign. Last evaluated: 2018-02-23. Review status: criteria provided, single submitter. Criteria: ACMG Guidelines, 2015. Collection method: clinical testing. Allele origin: germline.

PreventionGenetics, part of Exact Sciences
Classification: Likely benign for KMT2D-related condition. Last evaluated: 2024-07-18. Review status: no assertion criteria provided. Collection method: clinical testing. Allele origin: germline. Not counted in ClinVar's aggregate classification.
Comment: This variant is classified as likely benign based on ACMG/AMP sequence variant interpretation guidelines (Richards et al. 2015 PMID: 25741868, with internal and published modifications).